The following is an entry in ClinVar:

NM_001370259.2(MEN1):c.1351-10A>G

Gene: MEN1 (menin 1; minus strand). Cytogenetic location: 11q13.1.
Variant type: single nucleotide variant.
Coding change: c.1351-10A>G on transcript NM_001370259.2 (MANE Select); 10 bases into the intron before coding-DNA position 1351, A replaced by G.
Molecular consequence: intron variant.
Genome position (GRCh38, 1-based): chr11:64,804,826, T>C on the plus strand (A>G on the coding strand, the complement: MEN1 is on the minus strand). VCF-style: chr11-64804826-T-C. GRCh37 (hg19) VCF-style: chr11-64572298-T-C.
Other names: c.1366-10A>G (NM_130804.3, NM_130803.3, NM_000244.4 and 3 more transcripts); c.1351-10A>G (NM_130799.3, NM_001370260.2, NM_001370261.2); c.1477-10A>G (NM_001370251.2); c.1246-10A>G (NM_001370263.2, NM_001370262.2).
Identifiers: ClinVar variation 457288 (VCV000457288.15), dbSNP rs757569943, ClinGen allele CA060446.

ClinVar aggregate classification (germline): Likely benign. Review status: criteria provided, multiple submitters, no conflicts (2 of 4 stars). 5 submissions from 5 submitters: Likely benign (5). Last evaluated 2025-12-21.

Conditions:
Multiple endocrine neoplasia, type 1 (MEN1). Also called: MEN I; WERMER SYNDROME; MEA I; Endocrine adenomatosis multiple; MEN 1. Identifiers: Orphanet 652, MedGen C0025267, MeSH D018761, MONDO:0007540, OMIM 131100.

Allele frequency attached by ClinVar (database versions not stated): ExAC 0.00001.

Submissions (5):

Labcorp Genetics (formerly Invitae), Labcorp
Classification: Likely benign for Multiple endocrine neoplasia, type 1. Last evaluated: 2025-12-21. Review status: criteria provided, single submitter. Criteria: Invitae Variant Classification Sherloc (09022015). Collection method: clinical testing. Allele origin: germline.

Myriad Genetics, Inc.
Classification: Likely benign for Multiple endocrine neoplasia, type 1. Last evaluated: 2024-11-05. Review status: criteria provided, single submitter. Criteria: Myriad Autosomal Dominant, Autosomal Recessive and X-Linked Classification Criteria (2023). Collection method: clinical testing. Allele origin: unknown.
Comment: This variant is considered likely benign. This variant is intronic and is not expected to impact mRNA splicing.

Blueprint Genetics
Classification: Likely benign. Last evaluated: 2023-07-21. Review status: criteria provided, single submitter. Criteria: ACMG Guidelines, 2015. Collection method: clinical testing. Allele origin: germline.

All of Us Research Program, National Institutes of Health
Classification: Likely benign for Multiple endocrine neoplasia, type 1. Last evaluated: 2023-04-28. Review status: criteria provided, single submitter. Criteria: ACMG Guidelines, 2015. Collection method: clinical testing. Allele origin: germline. Inheritance: Autosomal dominant inheritance. Observed: 1 variant allele, 1 heterozygote.
Comment: This study involves interpretation of variants in research participants for the purpose of population health screening. Participant phenotype was not available at the time of variant classification. Additional details can be found in publication PMID: 35346344, PMCID: PMC8962531

Color Diagnostics, LLC DBA Color Health
Classification: Likely benign for Multiple endocrine neoplasia, type 1. Last evaluated: 2023-02-14. Review status: criteria provided, single submitter. Criteria: ACMG Guidelines, 2015. Collection method: clinical testing. Allele origin: germline.